The following is an entry in ClinVar:

ClinVar aggregate classification (germline): Uncertain significance (1 of 4 stars; one submission).

gnomAD v4.1: 8 of 1,614,050 alleles (0.0005%); highest among the groups gnomAD compares: Middle Eastern, 0.016%; no homozygotes.

Submission:

Labcorp Genetics (formerly Invitae), Labcorp
Classification: Uncertain significance. Last evaluated: 2024-11-07. Review status: criteria provided, single submitter. Criteria: Invitae Variant Classification Sherloc (09022015). Collection method: clinical testing. Allele origin: germline.
Comment: This sequence change replaces glutamic acid, which is acidic and polar, with lysine, which is basic and polar, at codon 2008 of the SPTA1 protein (p.Glu2008Lys). This variant is present in population databases (rs755159500, gnomAD 0.0009%). This variant has not been reported in the literature in individuals affected with SPTA1-related conditions. Invitae Evidence Modeling of protein sequence and biophysical properties (such as structural, functional, and spatial information, amino acid conservation, physicochemical variation, residue mobility, and thermodynamic stability) indicates that this missense variant is not expected to disrupt SPTA1 protein function with a negative predictive value of 80%. In summary, the available evidence is currently insufficient to determine the role of this variant in disease. Therefore, it has been classified as a Variant of Uncertain Significance.

NM_003126.4(SPTA1):c.6022G>A (p.Glu2008Lys)

Gene: SPTA1 (spectrin alpha, erythrocytic 1; minus strand). Cytogenetic location: 1q23.1.
Variant type: single nucleotide variant.
Coding change: c.6022G>A on transcript NM_003126.4 (MANE Select); coding-DNA position 6022, G replaced by A.
Protein change: p.Glu2008Lys; replaces glutamic acid 2008 with lysine.
Molecular consequence: missense variant.
Genome position (GRCh38, 1-based): chr1:158,623,081, C>T on the plus strand (G>A on the coding strand, the complement: SPTA1 is on the minus strand). VCF-style: chr1-158623081-C-T. GRCh37 (hg19) VCF-style: chr1-158592871-C-T.
Other names: short protein forms E2008K.
Identifiers: ClinVar variation 3614810 (VCV003614810.2).